The following is an entry in ClinVar:

NM_001374736.1(DST):c.22380C>T (p.Gly7460=)

Gene: DST (dystonin; minus strand). Cytogenetic location: 6p12.1.
Variant type: single nucleotide variant.
Coding change: c.22380C>T on transcript NM_001374736.1 (MANE Select); coding-DNA position 22380, C replaced by T.
Protein change: p.Gly7460=; no amino-acid change (glycine 7460 retained).
Molecular consequence: synonymous variant.
Genome position (GRCh38, 1-based): chr6:56,470,224, G>A on the plus strand (C>T on the coding strand, the complement: DST is on the minus strand). VCF-style: chr6-56470224-G-A. GRCh37 (hg19) VCF-style: chr6-56335022-G-A.
Other names: c.16023C>T, p.Gly5341= (NM_001144769.5); c.15609C>T, p.Gly5203= (NM_001144770.2); c.22380C>T, p.Gly7460= (NM_001374722.1); c.21420C>T, p.Gly7140= (NM_001374729.1); c.15162C>T, p.Gly5054= (NM_001374730.1); c.22407C>T, p.Gly7469= (NM_001374734.1); c.15489C>T, p.Gly5163= (NM_001386100.1, NM_183380.4); c.14511C>T, p.Gly4837= (NM_015548.5).
Identifiers: ClinVar variation 1416168 (VCV001416168.3), dbSNP rs545772116, ClinGen allele CA3866273.

ClinVar aggregate classification (germline): Uncertain significance (1 of 4 stars; one submission).

Conditions:
Hereditary sensory and autonomic neuropathy type 6. Also called: HSAN VI; Neuropathy, hereditary sensory and autonomic, type VI. Identifiers: Orphanet 314381, MedGen C3539003, MONDO:0013839, OMIM 614653.
Epidermolysis bullosa simplex 3, localized or generalized intermediate, with BP230 deficiency (EBS3). Also called: Epidermolysis bullosa simplex, autosomal recessive 2; Epidermolysis bullosa simplex due to BP230 deficiency. Identifiers: Orphanet 412181, MedGen C3809470, MONDO:0014180, OMIM 615425.

Allele frequency attached by ClinVar (database versions not stated): gnomAD exomes 0.00001; gnomAD 0.00002; TOPMed 0.00002.
gnomAD v4.1: 22 of 1,610,936 alleles (0.0014%); highest among the groups gnomAD compares: Admixed American, 0.0017%; no homozygotes.

Submission:

Labcorp Genetics (formerly Invitae), Labcorp
Classification: Uncertain significance for Epidermolysis bullosa simplex 3, localized or generalized intermediate, with BP230 deficiency; Hereditary sensory and autonomic neuropathy type 6. Last evaluated: 2022-02-28. Review status: criteria provided, single submitter. Criteria: Invitae Variant Classification Sherloc (09022015). Collection method: clinical testing. Allele origin: germline.
Comment: The DST gene has multiple clinically relevant transcripts. This variant occurs in alternate transcript NM_015548.4, and corresponds to NM_001723.5:c.*145293C>T in the primary transcript. This sequence change affects codon 4837 of the DST mRNA. It is a 'silent' change, meaning that it does not change the encoded amino acid sequence of the DST protein. The frequency data for this variant in the population databases is considered unreliable, as metrics indicate poor data quality at this position in the gnomAD database. This variant has not been reported in the literature in individuals affected with DST-related conditions. Algorithms developed to predict the effect of sequence changes on RNA splicing suggest that this variant may create or strengthen a splice site. In summary, the available evidence is currently insufficient to determine the role of this variant in disease. Therefore, it has been classified as a Variant of Uncertain Significance.